The following is an entry in ClinVar:

ClinVar aggregate classification (germline): Likely benign (1 of 4 stars; one submission).

Allele frequency attached by ClinVar (database versions not stated): ESP Exome Variant Server 0.00075; 1000 Genomes Project 0.00080; gnomAD 0.00086; 1000 Genomes Project 30x 0.00094; TOPMed 0.00096; ExAC 0.00161.
gnomAD v4.1: 871 of 1,553,696 alleles (0.056%); highest among the groups gnomAD compares: Middle Eastern, 0.36%; 2 homozygotes.

Submission:

CeGaT Center for Human Genetics Tuebingen
Classification: Likely benign. Last evaluated: 2023-01-01. Review status: criteria provided, single submitter. Criteria: CeGaT Center For Human Genetics Tuebingen Variant Classification Criteria Version 2. Collection method: clinical testing. Allele origin: germline. Affected: yes. Observed: 1 variant allele.
Comment: FLYWCH1: BP4, BP7

NM_001308068.2(FLYWCH1):c.474G>A (p.Arg158=)

Gene: FLYWCH1 (FLYWCH-type zinc finger 1; plus strand). Cytogenetic location: 16p13.3.
Variant type: single nucleotide variant.
Coding change: c.474G>A on transcript NM_001308068.2 (MANE Select); coding-DNA position 474, G replaced by A.
Protein change: p.Arg158=; no amino-acid change (arginine 158 retained).
Molecular consequence: synonymous variant.
Genome position (GRCh38, 1-based): chr16:2,930,558, G>A. VCF-style: chr16-2930558-G-A. GRCh37 (hg19) VCF-style: chr16-2980559-G-A.
Other names: c.471G>A, p.Arg157= (NM_020912.2, NM_032296.3).
Identifiers: ClinVar variation 2646087 (VCV002646087.24), dbSNP rs374701808, ClinGen allele CA7851691.